The following is an entry in ClinVar:

ClinVar aggregate classification (germline): Uncertain significance (1 of 4 stars; one submission).

Submission:

Labcorp Genetics (formerly Invitae), Labcorp
Classification: Uncertain significance. Last evaluated: 2024-03-21. Review status: criteria provided, single submitter. Criteria: Invitae Variant Classification Sherloc (09022015). Collection method: clinical testing. Allele origin: germline.
Comment: This sequence change replaces threonine, which is neutral and polar, with alanine, which is neutral and non-polar, at codon 2467 of the DCHS1 protein (p.Thr2467Ala). This variant is not present in population databases (gnomAD no frequency). This variant has not been reported in the literature in individuals affected with DCHS1-related conditions. Advanced modeling of protein sequence and biophysical properties (such as structural, functional, and spatial information, amino acid conservation, physicochemical variation, residue mobility, and thermodynamic stability) performed at Invitae indicates that this missense variant is not expected to disrupt DCHS1 protein function with a negative predictive value of 95%. In summary, the available evidence is currently insufficient to determine the role of this variant in disease. Therefore, it has been classified as a Variant of Uncertain Significance.

NM_003737.4(DCHS1):c.7399A>G (p.Thr2467Ala)

Gene: DCHS1 (dachsous cadherin-related 1; minus strand). Cytogenetic location: 11p15.4.
Variant type: single nucleotide variant.
Coding change: c.7399A>G on transcript NM_003737.4 (MANE Select); coding-DNA position 7399, A replaced by G.
Protein change: p.Thr2467Ala; replaces threonine 2467 with alanine.
Molecular consequence: missense variant.
Genome position (GRCh38, 1-based): chr11:6,624,277, T>C on the plus strand (A>G on the coding strand, the complement: DCHS1 is on the minus strand). VCF-style: chr11-6624277-T-C. GRCh37 (hg19) VCF-style: chr11-6645508-T-C.
Other names: short protein forms T2467A.
Identifiers: ClinVar variation 3690044 (VCV003690044.2).